The following is an entry in ClinVar:

ClinVar aggregate classification (germline): Uncertain significance. Review status: criteria provided, multiple submitters, no conflicts (2 of 4 stars). 2 submissions from 2 submitters: Uncertain significance (2). Last evaluated 2025-09-11.

Conditions:
Inborn genetic diseases. Identifiers: MedGen C0950123, MeSH D030342.
Familial infantile myasthenia (CMS6). Also called: MYASTHENIC SYNDROME, CONGENITAL, 6, PRESYNAPTIC; Congenital myasthenic syndrome type 6; MYASTHENIC SYNDROME, PRESYNAPTIC, CONGENITAL, ASSOCIATED WITH EPISODIC APNEA. Identifiers: Orphanet 590, MedGen C0393929, MONDO:0009689, OMIM 254210.

Allele frequency attached by ClinVar (database versions not stated): TOPMed below 0.00001; ExAC 0.00002; gnomAD 0.00004 and 0.00005; gnomAD exomes 0.00005 and 0.00010; ESP Exome Variant Server 0.00008.

Submissions (2):

Ambry Genetics
Classification: Uncertain significance for Inborn genetic diseases. Last evaluated: 2025-09-11. Review status: criteria provided, single submitter. Criteria: Ambry Variant Classification Scheme 2023. Collection method: clinical testing. Allele origin: germline.

Labcorp Genetics (formerly Invitae), Labcorp
Classification: Uncertain significance for Familial infantile myasthenia. Last evaluated: 2022-08-12. Review status: criteria provided, single submitter. Criteria: Invitae Variant Classification Sherloc (09022015). Collection method: clinical testing. Allele origin: germline.
Comment: This sequence change replaces isoleucine, which is neutral and non-polar, with threonine, which is neutral and polar, at codon 381 of the CHAT protein (p.Ile381Thr). This variant is present in population databases (rs372758559, gnomAD 0.1%). This variant has not been reported in the literature in individuals affected with CHAT-related conditions. ClinVar contains an entry for this variant (Variation ID: 577715). Algorithms developed to predict the effect of missense changes on protein structure and function (SIFT, PolyPhen-2, Align-GVGD) all suggest that this variant is likely to be disruptive. In summary, the available evidence is currently insufficient to determine the role of this variant in disease. Therefore, it has been classified as a Variant of Uncertain Significance.

NM_020549.5(CHAT):c.1142T>C (p.Ile381Thr)

Gene: CHAT (choline O-acetyltransferase; plus strand). Cytogenetic location: 10q11.23.
Variant type: single nucleotide variant.
Coding change: c.1142T>C on transcript NM_020549.5 (MANE Select); coding-DNA position 1142, T replaced by C.
Protein change: p.Ile381Thr; replaces isoleucine 381 with threonine.
Molecular consequence: missense variant.
Genome position (GRCh38, 1-based): chr10:49,646,535, T>C. VCF-style: chr10-49646535-T-C. GRCh37 (hg19) VCF-style: chr10-50854581-T-C.
Other names: c.788T>C, p.Ile263Thr (NM_001142929.2, NM_001142934.2, NM_020984.4 and 2 more transcripts); c.896T>C, p.Ile299Thr (NM_001142933.2); short protein forms I263T, I381T, I299T.
Identifiers: ClinVar variation 577715 (VCV000577715.9), dbSNP rs372758559, ClinGen allele CA5497397.